The following is an entry in ClinVar:

ClinVar aggregate classification (germline): Benign. Review status: criteria provided, multiple submitters, no conflicts (2 of 4 stars). 2 submissions from 2 submitters: Benign (2). Last evaluated 2018-01-13.

Conditions:
Neurofibromatosis, type 2 (SWNV). Also called: SCHWANNOMATOSIS, VESTIBULAR; BILATERAL ACOUSTIC NEUROFIBROMATOSIS; NF2-Related Schwannomatosis. Identifiers: Orphanet 637, MedGen C0027832, MONDO:0007039, OMIM 101000. Disease mechanism: loss of function.

Allele frequency attached by ClinVar (database versions not stated): 1000 Genomes Project 0.04872; 1000 Genomes Project 30x 0.04997; gnomAD exomes 0.06523; gnomAD 0.07274 and 0.07518; TOPMed 0.07334.
gnomAD v4.1: 13,479 of 186,856 alleles (7.2%); highest among the groups gnomAD compares: Middle Eastern, 8.1%; 538 homozygotes.

Submissions (2):

Illumina Laboratory Services, Illumina
Classification: Benign for Neurofibromatosis, type 2. Last evaluated: 2018-01-13. Review status: criteria provided, single submitter. Criteria: ICSL Variant Classification Criteria 13 December 2019. Collection method: clinical testing. Allele origin: germline.
Comment: This variant was observed in the ICSL laboratory as part of a predisposition screen in an ostensibly healthy population. It had not been previously curated by ICSL or reported in the Human Gene Mutation Database (HGMD: prior to June 1st, 2018), and was therefore a candidate for classification through an automated scoring system. Utilizing variant allele frequency, disease prevalence and penetrance estimates, and inheritance mode, an automated score was calculated to assess if this variant is too frequent to cause the disease. Based on the score and internal cut-off values, a variant classified as benign is not then subjected to further curation. The score for this variant resulted in a classification of benign for this disease.

Breakthrough Genomics
Classification: Benign. Review status: criteria provided, single submitter. Criteria: ACMG Guidelines, 2015. Collection method: not provided. Allele origin: germline. Inheritance: Autosomal dominant inheritance. Affected: yes.

NM_000268.4(NF2):c.*2224A>G

Gene: NF2 (NF2, moesin-ezrin-radixin like (MERLIN) tumor suppressor; plus strand). Cytogenetic location: 22q12.2.
Variant type: single nucleotide variant.
Coding change: c.*2224A>G on transcript NM_000268.4 (MANE Select); 2224 bases downstream of the stop codon, A replaced by G.
Molecular consequence: 3 prime UTR variant. On other transcripts: non-coding transcript variant (1).
Genome position (GRCh38, 1-based): chr22:29,697,026, A>G. VCF-style: chr22-29697026-A-G. GRCh37 (hg19) VCF-style: chr22-30093015-A-G.
Other names: c.*2284A>G (NM_016418.5, NM_181828.3, NM_181829.3 and 1 more transcripts); c.*2299A>G (NM_181832.3); c.*2224A>G (NM_181833.3).
Identifiers: ClinVar variation 341138 (VCV000341138.6), dbSNP rs112175950, ClinGen allele CA10651043.